The following is an entry in ClinVar:

NM_006269.2(RP1):c.2449A>G (p.Lys817Glu)

Gene: RP1 (RP1 axonemal microtubule associated; plus strand). Cytogenetic location: 8q12.1.
Variant type: single nucleotide variant.
Coding change: c.2449A>G on transcript NM_006269.2 (MANE Select); coding-DNA position 2449, A replaced by G.
Protein change: p.Lys817Glu; replaces lysine 817 with glutamic acid.
Molecular consequence: missense variant. On other transcripts: intron variant (1).
Genome position (GRCh38, 1-based): chr8:54,626,331, A>G. VCF-style: chr8-54626331-A-G. GRCh37 (hg19) VCF-style: chr8-55538891-A-G.
Other names: c.787+4043A>G (NM_001375654.1); short protein forms K817E.
Identifiers: ClinVar variation 949024 (VCV000949024.9), dbSNP rs140640774, ClinGen allele CA4751535.

ClinVar aggregate classification (germline): Conflicting classifications of pathogenicity. Review status: criteria provided, conflicting classifications (1 of 4 stars). 3 submissions from 3 submitters: Uncertain significance (1); Likely benign (2). Last evaluated 2025-03-29.

Conditions:
RP1-related disorder. Also called: RP1-related condition.

Allele frequency attached by ClinVar (database versions not stated): gnomAD exomes 0.00004 and 0.00012; ExAC 0.00013; ESP Exome Variant Server 0.00023; gnomAD 0.00049 and 0.00051; TOPMed 0.00053; 1000 Genomes Project 0.00060; 1000 Genomes Project 30x 0.00062.
gnomAD v4.1: 125 of 1,613,662 alleles (0.0077%); highest among the groups gnomAD compares: African/African-American, 0.16%; no homozygotes.

Submissions (3):

PreventionGenetics, part of Exact Sciences
Classification: Likely benign for RP1-related condition. Last evaluated: 2025-03-29. Review status: criteria provided, single submitter. Criteria: ACMG Guidelines, 2015. Collection method: clinical testing. Allele origin: germline.
Comment: This variant is classified as likely benign based on ACMG/AMP sequence variant interpretation guidelines (Richards et al. 2015 PMID: 25741868, with internal and published modifications).

Labcorp Genetics (formerly Invitae), Labcorp
Classification: Uncertain significance. Last evaluated: 2024-10-24. Review status: criteria provided, single submitter. Criteria: Invitae Variant Classification Sherloc (09022015). Collection method: clinical testing. Allele origin: germline.
Comment: This sequence change replaces lysine, which is basic and polar, with glutamic acid, which is acidic and polar, at codon 817 of the RP1 protein (p.Lys817Glu). This variant is present in population databases (rs140640774, gnomAD 0.2%). This variant has not been reported in the literature in individuals affected with RP1-related conditions. ClinVar contains an entry for this variant (Variation ID: 949024). An algorithm developed to predict the effect of missense changes on protein structure and function outputs the following: PolyPhen-2: "Benign". The glutamic acid amino acid residue is found in multiple mammalian species, which suggests that this missense change does not adversely affect protein function. In summary, the available evidence is currently insufficient to determine the role of this variant in disease. Therefore, it has been classified as a Variant of Uncertain Significance.

Blueprint Genetics
Classification: Likely benign. Last evaluated: 2022-08-30. Review status: criteria provided, single submitter. Criteria: ACMG Guidelines, 2015. Collection method: clinical testing. Allele origin: germline.